The following is an entry in ClinVar:

ClinVar aggregate classification (germline): Uncertain significance. Review status: criteria provided, multiple submitters, no conflicts (2 of 4 stars). 3 submissions from 2 submitters: Uncertain significance (3). Last evaluated 2023-05-29.

Conditions:
Cardiovascular phenotype. Identifiers: MedGen CN230736.
Familial visceral amyloidosis, Ostertag type (AMYLD2). Also called: AMYLOIDOSIS VIII; Ostertag type amyloidosis; Familial visceral amyloidosis; Amyloidosis, hepatic and systemic; AMYLOIDOSIS, HEREDITARY SYSTEMIC 2; Hereditary Renal Amyloidosis. Identifiers: Orphanet 85450, MedGen C0268389, MONDO:0007099, OMIM 105200.
Hypoalphalipoproteinemia, primary, 1. Identifiers: Orphanet 425, MedGen C5231558, MONDO:0011393, OMIM 604091.

Allele frequency attached by ClinVar (database versions not stated): gnomAD exomes below 0.00001; ExAC 0.00001; TOPMed 0.00001.
gnomAD v4.1: 10 of 1,612,938 alleles (0.00062%); highest among the groups gnomAD compares: Non-Finnish European, 0.00085%; no homozygotes.

Submissions (3):

Ambry Genetics
Classification: Uncertain significance for Cardiovascular phenotype. Last evaluated: 2023-05-29. Review status: criteria provided, single submitter. Criteria: Ambry Variant Classification Scheme 2023. Collection method: clinical testing. Allele origin: germline.
Comment: The p.E160D variant (also known as c.480G>T), located in coding exon 3 of the APOA1 gene, results from a G to T substitution at nucleotide position 480. The glutamic acid at codon 160 is replaced by aspartic acid, an amino acid with highly similar properties. This amino acid position is conserved. In addition, this alteration is predicted to be tolerated by in silico analysis. Since supporting evidence is limited at this time, the clinical significance of this alteration remains unclear.

Illumina Laboratory Services, Illumina
Classification: Uncertain significance for Familial visceral amyloidosis, Ostertag type. Last evaluated: 2018-01-12. Review status: criteria provided, single submitter. Criteria: ICSL Variant Classification Criteria 13 December 2019. Collection method: clinical testing. Allele origin: germline.

Illumina Laboratory Services, Illumina
Classification: Uncertain significance for Hypoalphalipoproteinemia, primary, 1. Last evaluated: 2018-01-12. Review status: criteria provided, single submitter. Criteria: ICSL Variant Classification Criteria 13 December 2019. Collection method: clinical testing. Allele origin: germline.

NM_000039.3(APOA1):c.480G>T (p.Glu160Asp)

Genes: APOA1 (apolipoprotein A1; minus strand), APOA1-AS (APOA1 antisense RNA; plus strand). Cytogenetic location: 11q23.3.
Variant type: single nucleotide variant.
Coding change: c.480G>T on transcript NM_000039.3 (MANE Select); coding-DNA position 480, G replaced by T.
Protein change: p.Glu160Asp; replaces glutamic acid 160 with aspartic acid.
Molecular consequence: missense variant. On other transcripts: non-coding transcript variant (1).
Genome position (GRCh38, 1-based): chr11:116,836,132, C>A on the plus strand (G>T on the coding strand, the complement: APOA1 is on the minus strand). VCF-style: chr11-116836132-C-A. GRCh37 (hg19) VCF-style: chr11-116706848-C-A.
Other names: c.480G>T, p.Glu160Asp (NM_001318017.2, NM_001318018.2); c.153G>T, p.Glu51Asp (NM_001318021.2); short protein forms E160D, E51D.
Identifiers: ClinVar variation 302504 (VCV000302504.7), dbSNP rs769548576, ClinGen allele CA6289801.